The following is an entry in ClinVar:

NM_015629.4(PRPF31):c.359dup (p.Arg121fs)

Genes: PRPF31 (pre-mRNA processing factor 31; plus strand), PRPF31-AS1 (PRPF31 antisense RNA 1; minus strand). Cytogenetic location: 19q13.42.
Variant type: Duplication.
Coding change: c.359dup on transcript NM_015629.4 (MANE Select); coding-DNA position 359, one base duplicated (A; older notation c.359dupA).
Protein change: p.Arg121fs; shifts the reading frame from arginine 121.
Molecular consequence: frameshift variant.
Genome position (GRCh38, 1-based): chr19:54,122,533, A duplicated; the last of 3 consecutive A bases (chr19:54,122,531-54,122,533); duplicating any one gives the same sequence. VCF-style (leftmost placement, unchanged base first): chr19-54122530-C-CA. GRCh37 (hg19) VCF-style: chr19-54625909-C-CA.
Other names: c.359dupA (NM_015629.3); short protein forms R121fs.
Identifiers: ClinVar variation 1452541 (VCV001452541.11), dbSNP rs1555792415, ClinGen allele CA2573156799.

ClinVar aggregate classification (germline): Pathogenic. Review status: criteria provided, multiple submitters, no conflicts (2 of 4 stars). 3 submissions from 3 submitters: Pathogenic (2). 1 of the submissions does not count toward it. Last evaluated 2026-09-10.

Conditions:
PRPF31-related disorder. Also called: PRPF31-related condition.
Retinal dystrophy. Also called: Inherited retinal dystrophy. Identifiers: Orphanet 71862, MedGen C0854723, MeSH D058499, MONDO:0019118, HP:0000556.

Submissions (3):

PreventionGenetics, part of Exact Sciences
Classification: Pathogenic for PRPF31-related condition. Last evaluated: 2026-09-10. Review status: criteria provided, single submitter. Criteria: ACMG Guidelines, 2015. Collection method: clinical testing. Allele origin: germline.
Comment: The PRPF31 c.359dupA variant is predicted to result in a frameshift and premature protein termination (p.Arg121Glufs*4). This variant has been reported in an individual with retinitis pigmentosa (Hariri et al. 2018. PubMed ID: 31047384). This variant is absent in a large population database, indicating this variant is rare. Frameshift variants in PRPF31 are an established mechanism of disease. This variant is interpreted as pathogenic.

Labcorp Genetics (formerly Invitae), Labcorp
Classification: Pathogenic. Last evaluated: 2021-03-25. Review status: criteria provided, single submitter. Criteria: Invitae Variant Classification Sherloc (09022015). Collection method: clinical testing. Allele origin: germline.
Comment: This sequence change creates a premature translational stop signal (p.Arg121Glufs*4) in the PRPF31 gene. It is expected to result in an absent or disrupted protein product. Loss-of-function variants in PRPF31 are known to be pathogenic (PMID: 18317597, 23950152). For these reasons, this variant has been classified as Pathogenic. This variant has been observed in individual(s) with retinitis pigmentosa (PMID: 31047384). This variant is not present in population databases (ExAC no frequency).

Institute of Human Genetics, Univ. Regensburg, Univ. Regensburg
Classification: Pathogenic for Retinal dystrophy. Last evaluated: 2023-01-01. Review status: no assertion criteria provided. Criteria: ACMG Guidelines, 2015. Collection method: clinical testing. Allele origin: germline. Affected: yes. Not counted in ClinVar's aggregate classification.

Literature cited by the submitters: PubMed 18317597 (cited by Labcorp Genetics (formerly Invitae), Labcorp); PubMed 23950152 (cited by Labcorp Genetics (formerly Invitae), Labcorp); PubMed 31047384 (cited by Labcorp Genetics (formerly Invitae), Labcorp).